The following is an entry in ClinVar:

ClinVar aggregate classification (germline): Uncertain significance (1 of 4 stars; one submission).

Conditions:
Hereditary cancer-predisposing syndrome. Also called: Neoplastic Syndromes, Hereditary; Tumor predisposition; Hereditary Cancer Syndrome; Hereditary neoplastic syndrome. Identifiers: Orphanet 140162, MedGen C0027672, MeSH D009386, MONDO:0015356.

Submission:

Ambry Genetics
Classification: Uncertain significance for Hereditary cancer-predisposing syndrome. Last evaluated: 2022-10-22. Review status: criteria provided, single submitter. Criteria: Ambry Variant Classification Scheme 2023. Collection method: clinical testing. Allele origin: germline.
Comment: The p.E665Q variant (also known as c.1993G>C), located in coding exon 4 of the MSH6 gene, results from a G to C substitution at nucleotide position 1993. The glutamic acid at codon 665 is replaced by glutamine, an amino acid with highly similar properties. This amino acid position is conserved. In addition, the in silico prediction for this alteration is inconclusive. Since supporting evidence is limited at this time, the clinical significance of this alteration remains unclear.

NM_000179.3(MSH6):c.1993G>C (p.Glu665Gln)

Gene: MSH6 (mutS homolog 6; plus strand). Cytogenetic location: 2p16.3.
Variant type: single nucleotide variant.
Coding change: c.1993G>C on transcript NM_000179.3 (MANE Select); coding-DNA position 1993, G replaced by C.
Protein change: p.Glu665Gln; replaces glutamic acid 665 with glutamine.
Molecular consequence: missense variant.
Genome position (GRCh38, 1-based): chr2:47,799,976, G>C. VCF-style: chr2-47799976-G-C. GRCh37 (hg19) VCF-style: chr2-48027115-G-C.
Other names: c.1603G>C, p.Glu535Gln (NM_001281492.2); c.1087G>C, p.Glu363Gln (NM_001281493.2, NM_001281494.2, NM_001406811.1 and 6 more transcripts); c.2089G>C, p.Glu697Gln (NM_001406795.1, NM_001406802.1); c.1993G>C, p.Glu665Gln (NM_001406796.1, NM_001406798.1, NM_001406800.1 and 3 more transcripts); c.1696G>C, p.Glu566Gln (NM_001406797.1, NM_001406801.1, NM_001406805.1 and 10 more transcripts); c.1468G>C, p.Glu490Gln (NM_001406799.1, NM_001406806.1, NM_001406807.1); c.1915G>C, p.Glu639Gln (NM_001406804.1); c.1999G>C, p.Glu667Gln (NM_001406813.1); and 1 more; short protein forms E490Q, E667Q, E363Q, E609Q, E639Q, E535Q, E697Q, E566Q.
Identifiers: ClinVar variation 1784018 (VCV001784018.2), dbSNP rs1333555322, ClinGen allele CA346750653.